The following is an entry in ClinVar:

NM_021625.5(TRPV4):c.646A>G (p.Ile216Val)

Gene: TRPV4 (transient receptor potential cation channel subfamily V member 4; minus strand). Cytogenetic location: 12q24.11.
Variant type: single nucleotide variant.
Coding change: c.646A>G on transcript NM_021625.5 (MANE Select); coding-DNA position 646, A replaced by G.
Protein change: p.Ile216Val; replaces isoleucine 216 with valine.
Molecular consequence: missense variant.
Genome position (GRCh38, 1-based): chr12:109,803,057, T>C on the plus strand (A>G on the coding strand, the complement: TRPV4 is on the minus strand). VCF-style: chr12-109803057-T-C. GRCh37 (hg19) VCF-style: chr12-110240862-T-C.
Other names: c.646A>G, p.Ile216Val (NM_001177428.2, NM_001177433.2, NM_147204.3); c.544A>G, p.Ile182Val (NM_001177431.2); short protein forms I216V, I182V.
Identifiers: ClinVar variation 469043 (VCV000469043.10), dbSNP rs1318320106, ClinGen allele CA386656102.

ClinVar aggregate classification (germline): Conflicting classifications of pathogenicity. Review status: criteria provided, conflicting classifications (1 of 4 stars). 2 submissions from 2 submitters: Uncertain significance (1); Likely benign (1). Last evaluated 2019-12-23.

Conditions:
Inborn genetic diseases. Identifiers: MedGen C0950123, MeSH D030342.
Charcot-Marie-Tooth disease axonal type 2C (HMSN2C). Also called: CHARCOT-MARIE-TOOTH DISEASE, AXONAL, AUTOSOMAL DOMINANT, TYPE 2C; Charcot-Marie-Tooth Neuropathy Type 2C; Charcot-Marie-Tooth Disease Type 2, TRPV4-Related (CMT2C). Identifiers: Orphanet 99937, MedGen C1853710, MONDO:0011633, OMIM 606071.

Allele frequency attached by ClinVar (database versions not stated): gnomAD exomes below 0.00001; TOPMed below 0.00001; gnomAD 0.00002.
gnomAD v4.1: 5 of 1,614,098 alleles (0.00031%); highest among the groups gnomAD compares: Non-Finnish European, 0.00034%; no homozygotes.

Submissions (2):

Ambry Genetics
Classification: Likely benign for Inborn genetic diseases. Last evaluated: 2019-12-23. Review status: criteria provided, single submitter. Criteria: Ambry Variant Classification Scheme 2023. Collection method: clinical testing. Allele origin: germline.

Labcorp Genetics (formerly Invitae), Labcorp
Classification: Uncertain significance for Charcot-Marie-Tooth disease axonal type 2C. Last evaluated: 2017-02-07. Review status: criteria provided, single submitter. Criteria: Invitae Variant Classification Sherloc (09022015). Collection method: clinical testing. Allele origin: germline.
Comment: In summary, this variant is a novel missense change with uncertain impact on protein function. It has been classified as a Variant of Uncertain Significance. Algorithms developed to predict the effect of missense changes on protein structure and function do not agree on the potential impact of this missense change (SIFT: "Deleterious"; PolyPhen-2: "Benign"; Align-GVGD: "Class C0"). This variant is not present in population databases (ExAC no frequency) and has not been reported in the literature in individuals with a TRPV4-related disease. This sequence change replaces isoleucine with valine at codon 216 of the TRPV4 protein (p.Ile216Val). The isoleucine residue is moderately conserved and there is a small physicochemical difference between isoleucine and valine.